The following is an entry in ClinVar:

NM_020812.4(DOCK6):c.2872C>G (p.Leu958Val)

Gene: DOCK6 (dedicator of cytokinesis 6; minus strand). Cytogenetic location: 19p13.2.
Variant type: single nucleotide variant.
Coding change: c.2872C>G on transcript NM_020812.4 (MANE Select); coding-DNA position 2872, C replaced by G.
Protein change: p.Leu958Val; replaces leucine 958 with valine.
Molecular consequence: missense variant.
Genome position (GRCh38, 1-based): chr19:11,227,420, G>C on the plus strand (C>G on the coding strand, the complement: DOCK6 is on the minus strand). VCF-style: chr19-11227420-G-C. GRCh37 (hg19) VCF-style: chr19-11338096-G-C.
Other names: c.2977C>G, p.Leu993Val (NM_001367830.1); short protein forms L993V, L958V.
Identifiers: ClinVar variation 4742322 (VCV004742322.1).

ClinVar aggregate classification (germline): Uncertain significance (1 of 4 stars; one submission).

Submission:

Labcorp Genetics (formerly Invitae), Labcorp
Classification: Uncertain significance. Last evaluated: 2025-09-15. Review status: criteria provided, single submitter. Criteria: Invitae Variant Classification Sherloc (09022015). Collection method: clinical testing. Allele origin: germline.
Comment: This sequence change replaces leucine, which is neutral and non-polar, with valine, which is neutral and non-polar, at codon 958 of the DOCK6 protein (p.Leu958Val). This variant is not present in population databases (gnomAD no frequency). This variant has not been reported in the literature in individuals affected with DOCK6-related conditions. Invitae Evidence Modeling of protein sequence and biophysical properties (such as structural, functional, and spatial information, amino acid conservation, physicochemical variation, residue mobility, and thermodynamic stability) indicates that this missense variant is not expected to disrupt DOCK6 protein function with a negative predictive value of 80%. In summary, the available evidence is currently insufficient to determine the role of this variant in disease. Therefore, it has been classified as a Variant of Uncertain Significance.